The following is an entry in ClinVar:

ClinVar aggregate classification (germline): Pathogenic (0 of 4 stars; one submission).

Conditions:
Marfan syndrome (MFS). Also called: Marfan syndrome type 1; Marfan's syndrome; Marfan syndrome, classic; MARFAN SYNDROME, TYPE I; FBN1-Related Marfan Syndrome. Identifiers: Orphanet 284963, Orphanet 558, MedGen C0024796, MONDO:0007947, OMIM 154700.

Submission:

Yu Lab, Soochow University
Classification: Pathogenic for Marfan syndrome. Last evaluated: 2020-12-10. Review status: no assertion criteria provided. Collection method: case-control. Allele origin: de novo. Inheritance: Autosomal dominant inheritance. Affected: yes. Observed: 1 variant allele, 1 hemizygote.

NM_000138.5(FBN1):c.1910G>C (p.Cys637Ser)

Gene: FBN1 (fibrillin 1; minus strand). Cytogenetic location: 15q21.1.
Variant type: single nucleotide variant.
Coding change: c.1910G>C on transcript NM_000138.5 (MANE Select); coding-DNA position 1910, G replaced by C.
Protein change: p.Cys637Ser; replaces cysteine 637 with serine.
Molecular consequence: missense variant.
Genome position (GRCh38, 1-based): chr15:48,505,075, C>G on the plus strand (G>C on the coding strand, the complement: FBN1 is on the minus strand). VCF-style: chr15-48505075-C-G. GRCh37 (hg19) VCF-style: chr15-48797272-C-G.
Other names: short protein forms C637S.
Identifiers: ClinVar variation 1177303 (VCV001177303.4), dbSNP rs1478695794, ClinGen allele CA392339056.